The following is an entry in ClinVar:

ClinVar aggregate classification (germline): Uncertain significance (1 of 4 stars; one submission).

Conditions:
Malignant hyperthermia, susceptibility to, 5 (MHS5). Also called: CACNA1S-Related Malignant Hyperthermia Susceptibility. Identifiers: Orphanet 423, MedGen C1866077, MONDO:0011163, OMIM 601887.

Submission:

Color Diagnostics, LLC DBA Color Health
Classification: Uncertain significance for Malignant hyperthermia, susceptibility to, 5. Last evaluated: 2025-08-26. Review status: criteria provided, single submitter. Criteria: ACMG Guidelines, 2015. Collection method: clinical testing. Allele origin: germline.
Comment: This variant causes a T to A substitution at the +2 position of intron 17 in the CACNA1S gene. Splice site prediction tools suggest that this variant may have a significant impact on RNA splicing. Although this prediction has not been confirmed in published RNA studies, this variant is expected to result in an absent or disrupted protein product. This variant has not been reported in individuals affected with CACNA1S-related disorders in the literature. This variant has not been identified in the general population by the Genome Aggregation Database (gnomAD). Loss of CACNA1S gene function due to haploinsufficiency is not an established disease mechanism for autosomal dominant malignant hyperthermia susceptibility. Due to insufficient evidence, this variant is classified as a Variant of Uncertain Significance for autosomal dominant malignant hyperthermia.

NM_000069.3(CACNA1S):c.2360+2T>A

Gene: CACNA1S (calcium voltage-gated channel subunit alpha1 S; minus strand). Cytogenetic location: 1q32.1.
Variant type: single nucleotide variant.
Coding change: c.2360+2T>A on transcript NM_000069.3 (MANE Select); the canonical splice donor site of the intron after coding-DNA position 2360, T replaced by A.
Molecular consequence: splice donor variant.
Genome position (GRCh38, 1-based): chr1:201,070,270, A>T on the plus strand (T>A on the coding strand, the complement: CACNA1S is on the minus strand). VCF-style: chr1-201070270-A-T. GRCh37 (hg19) VCF-style: chr1-201039398-A-T.
Identifiers: ClinVar variation 4757957 (VCV004757957.1).